The following is an entry in ClinVar:

ClinVar aggregate classification (germline): Conflicting classifications of pathogenicity. Review status: criteria provided, conflicting classifications (1 of 4 stars). 5 submissions from 5 submitters: Uncertain significance (2); Benign (1); Likely benign (1). 1 of the submissions does not count toward it. Last evaluated 2026-02-01.

Conditions:
Fanconi anemia (FA). Also called: Fanconi's anemia. Identifiers: Orphanet 84, MedGen C0015625, MeSH D005199, MONDO:0019391.
Fanconi anemia complementation group A (FANCA). Also called: Fanconi anemia, group A; FANCA-Related Fanconi Anemia. Identifiers: Orphanet 84, MedGen C3469521, MONDO:0009215, OMIM 227650.

Allele frequency attached by ClinVar (database versions not stated): gnomAD exomes 0.00001 and 0.00004; ExAC 0.00003; gnomAD 0.00015 and 0.00017; 1000 Genomes Project 30x 0.00016; 1000 Genomes Project 0.00020; TOPMed 0.00022; ESP Exome Variant Server 0.00023.
gnomAD v4.1: 63 of 1,614,016 alleles (0.0039%); highest among the groups gnomAD compares: East Asian, 0.029%; 1 homozygote.

Submissions (5):

Labcorp Genetics (formerly Invitae), Labcorp
Classification: Benign for Fanconi anemia. Last evaluated: 2026-02-01. Review status: criteria provided, single submitter. Criteria: Invitae Variant Classification Sherloc (09022015). Collection method: clinical testing. Allele origin: germline.

Quest Diagnostics Nichols Institute San Juan Capistrano
Classification: Uncertain significance. Last evaluated: 2024-10-21. Review status: criteria provided, single submitter. Criteria: Quest Diagnostics criteria. Collection method: clinical testing. Allele origin: unknown.
Comment: The FANCA c.308C>T (p.Ser103Leu) variant has been reported in the published literature in a family identified as high risk for breast and/or ovarian cancer (PMID: 27153395 (2016)). The frequency of this variant in the general population, 0.00055 (11/19934 chromosomes (Genome Aggregation Database)), is uninformative in the assessment of its pathogenicity. Analysis of this variant using bioinformatics tools for the prediction of the effect of amino acid changes on protein structure and function yielded predictions that this variant is benign. Based on the available information, we are unable to determine the clinical significance of this variant.

Revvity Omics, Revvity
Classification: Uncertain significance for Fanconi anemia complementation group A. Last evaluated: 2022-03-09. Review status: criteria provided, single submitter. Criteria: ACMG Guidelines, 2015. Collection method: clinical testing. Allele origin: germline.

Sema4
Classification: Likely benign for Fanconi anemia. Last evaluated: 2021-06-23. Review status: criteria provided, single submitter. Criteria: Sema4 Curation Guidelines. Collection method: curation. Allele origin: germline.

ITMI
No classification provided. Condition: AllHighlyPenetrant. Last evaluated: 2013-09-19. Review status: no classification provided. Collection method: reference population. Allele origin: germline. Not counted in ClinVar's aggregate classification.
Comment: Please see associated publication for description of ethnicities

Literature cited by the submitters: PubMed 31543367 (cited by Quest Diagnostics Nichols Institute San Juan Capistrano); PubMed 29338072 (cited by Quest Diagnostics Nichols Institute San Juan Capistrano); PubMed 27153395 (cited by Quest Diagnostics Nichols Institute San Juan Capistrano); PubMed 24728327 (cited by ITMI).

NM_000135.4(FANCA):c.308C>T (p.Ser103Leu)

Gene: FANCA (FA complementation group A; minus strand). Cytogenetic location: 16q24.3.
Variant type: single nucleotide variant.
Coding change: c.308C>T on transcript NM_000135.4 (MANE Select); coding-DNA position 308, C replaced by T.
Protein change: p.Ser103Leu; replaces serine 103 with leucine.
Molecular consequence: missense variant.
Genome position (GRCh38, 1-based): chr16:89,811,047, G>A on the plus strand (C>T on the coding strand, the complement: FANCA is on the minus strand). VCF-style: chr16-89811047-G-A. GRCh37 (hg19) VCF-style: chr16-89877455-G-A.
Other names: c.308C>T (LRG_495t1, NM_000135.3); c.308C>T, p.Ser103Leu (NM_001018112.3, NM_001286167.3, NM_001351830.2); short protein forms S103L.
Identifiers: ClinVar variation 134277 (VCV000134277.17), dbSNP rs147176389, ClinGen allele CA159334.